The following is an entry in ClinVar:

ClinVar aggregate classification (germline): Uncertain significance (1 of 4 stars; one submission).

Allele frequency attached by ClinVar (database versions not stated): TOPMed below 0.00001.
gnomAD v4.1: 3 of 1,210,296 alleles (0.00025%); highest among the groups gnomAD compares: East Asian, 0.0089%; no homozygotes.

Submission:

Labcorp Genetics (formerly Invitae), Labcorp
Classification: Uncertain significance. Last evaluated: 2023-10-03. Review status: criteria provided, single submitter. Criteria: Invitae Variant Classification Sherloc (09022015). Collection method: clinical testing. Allele origin: germline.
Comment: This sequence change replaces arginine, which is basic and polar, with histidine, which is basic and polar, at codon 856 of the GRIA3 protein (p.Arg856His). This variant is not present in population databases (gnomAD no frequency). This variant has not been reported in the literature in individuals affected with GRIA3-related conditions. ClinVar contains an entry for this variant (Variation ID: 2092753). Advanced modeling of protein sequence and biophysical properties (such as structural, functional, and spatial information, amino acid conservation, physicochemical variation, residue mobility, and thermodynamic stability) performed at Invitae indicates that this missense variant is not expected to disrupt GRIA3 protein function. In summary, the available evidence is currently insufficient to determine the role of this variant in disease. Therefore, it has been classified as a Variant of Uncertain Significance.

NM_007325.5(GRIA3):c.2567G>A (p.Arg856His)

Gene: GRIA3 (glutamate ionotropic receptor AMPA type subunit 3; plus strand). Cytogenetic location: Xq25.
Variant type: single nucleotide variant.
Coding change: c.2567G>A on transcript NM_007325.5 (MANE Select); coding-DNA position 2567, G replaced by A.
Protein change: p.Arg856His; replaces arginine 856 with histidine.
Molecular consequence: missense variant.
Genome position (GRCh38, 1-based): chrX:123,482,926, G>A. VCF-style: chrX-123482926-G-A. GRCh37 (hg19) VCF-style: chrX-122616777-G-A.
Other names: c.2567G>A, p.Arg856His (NM_000828.5); short protein forms R856H.
Identifiers: ClinVar variation 2092753 (VCV002092753.4), dbSNP rs2045919059, ClinGen allele CA414256039.
Genomic context (GRCh38, chrX:123,482,926, plus strand): 5'-GGCTGGCCATGATGGTGGCTTTGATAGAATTCTGTTACAAATCACGGGCAGAGTCCAAAC[G>A]CATGAAACTCACAAAGAACACCCAAAACTTTAAGCCTGCTCCTGCCACCAACACTCAGAA-3'
Protein context (NP_015564.5, residues 846-866): FCYKSRAESK[Arg856His]MKLTKNTQNF